The following is an entry in ClinVar:

ClinVar aggregate classification (germline): Uncertain significance (1 of 4 stars; one submission).

Conditions:
Congenital hyperammonemia, type I. Also called: Carbamoyl-phosphate synthase I deficiency; Carbamoyl phosphate synthetase 1 deficiency; Hyperammonemia due to carbamoyl phosphate synthetase 1 deficiency; CPS 1 deficiency; Carbamyl phosphate synthetase (CPS) deficiency; Carbamoyl phosphate synthetase I deficiency disease. Identifiers: Orphanet 147, MedGen C4082171, MONDO:0009376, OMIM 237300.

Allele frequency attached by ClinVar (database versions not stated): gnomAD exomes below 0.00001.
gnomAD v4.1: 1 of 1,611,012 alleles (0.000062%); highest among the groups gnomAD compares: Admixed American, 0.0017%; no homozygotes.

Submission:

Labcorp Genetics (formerly Invitae), Labcorp
Classification: Uncertain significance for Congenital hyperammonemia, type I. Last evaluated: 2022-02-23. Review status: criteria provided, single submitter. Criteria: Invitae Variant Classification Sherloc (09022015). Collection method: clinical testing. Allele origin: germline.
Comment: Variants that disrupt the consensus splice site are a relatively common cause of aberrant splicing (PMID: 17576681, 9536098). This sequence change replaces glycine, which is neutral and non-polar, with aspartic acid, which is acidic and polar, at codon 731 of the CPS1 protein (p.Gly731Asp). This variant also falls at the last nucleotide of exon 18, which is part of the consensus splice site for this exon. This variant is present in population databases (no rsID available, gnomAD 0.003%). This variant has not been reported in the literature in individuals affected with CPS1-related conditions. Algorithms developed to predict the effect of missense changes on protein structure and function are either unavailable or do not agree on the potential impact of this missense change (SIFT: "Deleterious"; PolyPhen-2: "Probably Damaging"; Align-GVGD: "Class C0"). In summary, the available evidence is currently insufficient to determine the role of this variant in disease. Therefore, it has been classified as a Variant of Uncertain Significance.

Literature cited by the submitters: PubMed 17576681; PubMed 9536098.

NM_001875.5(CPS1):c.2192G>A (p.Gly731Asp)

Gene: CPS1 (carbamoyl-phosphate synthase 1; plus strand). Cytogenetic location: 2q34.
Variant type: single nucleotide variant.
Coding change: c.2192G>A on transcript NM_001875.5 (MANE Select); coding-DNA position 2192, G replaced by A.
Protein change: p.Gly731Asp; replaces glycine 731 with aspartic acid.
Molecular consequence: missense variant. On other transcripts: non-coding transcript variant (2).
Genome position (GRCh38, 1-based): chr2:210,606,941, G>A. VCF-style: chr2-210606941-G-A. GRCh37 (hg19) VCF-style: chr2-211471665-G-A.
Other names: c.2192G>A, p.Gly731Asp (NM_001122633.3, NM_001369257.1); c.2225G>A, p.Gly742Asp (NM_001369256.1); short protein forms G731D, G742D.
Identifiers: ClinVar variation 2102656 (VCV002102656.4), dbSNP rs1257879602, ClinGen allele CA350439275.